The following is an entry in ClinVar:

ClinVar aggregate classification (germline): Pathogenic (1 of 4 stars; one submission).

Conditions:
Duchenne muscular dystrophy (DMD). Also called: MUSCULAR DYSTROPHY, PSEUDOHYPERTROPHIC PROGRESSIVE, DUCHENNE TYPE; Duchenne Muscular Dystrophy (DMD). Identifiers: Orphanet 98896, MedGen C0013264, MONDO:0010679, OMIM 310200.

Submission:

Labcorp Genetics (formerly Invitae), Labcorp
Classification: Pathogenic for Duchenne muscular dystrophy. Last evaluated: 2018-09-24. Review status: criteria provided, single submitter. Criteria: Invitae Variant Classification Sherloc (09022015). Collection method: clinical testing. Allele origin: germline.
Comment: This variant is a gross deletion of the genomic region encompassing part of exon 11 (c.1307_1332-7556del) of the DMD gene. It is expected to disrupt RNA splicing and likely results in an absent or disrupted protein product. Disruption of the exon 11 splice donor site has been observed in several individuals affected with DMD-related muscular dystrophy (PMID:Â¬â€ 17041906, 17259292,Â¬â€ 19959795). Loss-of-function variants in DMD are known to be pathogenic (PMID: 16770791, 25007885). For these reasons, this variant has been classified as Pathogenic.

NM_004006.2(DMD):c.1307_1332-7556del

Genes: MIR548F5 (microRNA 548f-5; minus strand), DMD (dystrophin; minus strand). Cytogenetic location: Xp21.1.
Variant type: Deletion.
Coding change: c.1307_1332-7556del on transcript NM_004006.2; coding-DNA position 1307 through 7556 bases into the intron before coding-DNA position 1332, this stretch deleted.
Other names: c.1307_1332-7556del (LRG_199t1).
Identifiers: ClinVar variation 652594 (VCV000652594.1).